The following is an entry in ClinVar:

NM_014946.4(SPAST):c.1451G>A (p.Gly484Asp)

Gene: SPAST (spastin; plus strand). Cytogenetic location: 2p22.3.
Variant type: single nucleotide variant.
Coding change: c.1451G>A on transcript NM_014946.4 (MANE Select); coding-DNA position 1451, G replaced by A.
Protein change: p.Gly484Asp; replaces glycine 484 with aspartic acid.
Molecular consequence: missense variant.
Genome position (GRCh38, 1-based): chr2:32,137,146, G>A. VCF-style: chr2-32137146-G-A. GRCh37 (hg19) VCF-style: chr2-32362215-G-A.
Other names: c.1448G>A, p.Gly483Asp (NM_001363823.2); c.1352G>A, p.Gly451Asp (NM_001363875.2); c.1355G>A, p.Gly452Asp (NM_001377959.1, NM_199436.2); short protein forms G484D, G451D, G452D, G483D.
Identifiers: ClinVar variation 567369 (VCV000567369.9), dbSNP rs1558337098, ClinGen allele CA346502459.

ClinVar aggregate classification (germline): Likely pathogenic. Review status: criteria provided, multiple submitters, no conflicts (2 of 4 stars). 2 submissions from 2 submitters: Likely pathogenic (2). Last evaluated 2025-09-15.

Conditions:
Hereditary spastic paraplegia 4. Also called: Spastic paraplegia 4, autosomal dominant; Spastic Paraplegia 4; Familial spastic paraplegia autosomal dominant 2. Identifiers: Orphanet 100985, MedGen C1866855, MONDO:0008438, OMIM 182601.

Submissions (2):

Labcorp Genetics (formerly Invitae), Labcorp
Classification: Likely pathogenic for Hereditary spastic paraplegia 4. Last evaluated: 2025-09-15. Review status: criteria provided, single submitter. Criteria: Invitae Variant Classification Sherloc (09022015). Collection method: clinical testing. Allele origin: germline.
Comment: This sequence change replaces glycine, which is neutral and non-polar, with aspartic acid, which is acidic and polar, at codon 484 of the SPAST protein (p.Gly484Asp). This variant is not present in population databases (gnomAD no frequency). This missense change has been observed in individuals with clinical features of SPAST-related conditions (internal data). ClinVar contains an entry for this variant (Variation ID: 567369). Invitae Evidence Modeling of protein sequence and biophysical properties (such as structural, functional, and spatial information, amino acid conservation, physicochemical variation, residue mobility, and thermodynamic stability) indicates that this missense variant is expected to disrupt SPAST protein function with a positive predictive value of 80%. This variant disrupts the p.Gly484 amino acid residue in SPAST. Other variant(s) that disrupt this residue have been determined to be pathogenic (PMID: 24731568; internal data). This suggests that this residue is clinically significant, and that variants that disrupt this residue are likely to be disease-causing. In summary, the currently available evidence indicates that the variant is pathogenic, but additional data are needed to prove that conclusively. Therefore, this variant has been classified as Likely Pathogenic.

Clinical Genetics Service, Universitary Hospital 12 de Octubre
Classification: Likely pathogenic for Hereditary spastic paraplegia 4. Review status: criteria provided, single submitter. Criteria: ACMG Guidelines, 2015. Collection method: clinical testing. Allele origin: germline. Affected: yes.

Literature cited by the submitters: PubMed 24731568 (cited by Labcorp Genetics (formerly Invitae), Labcorp).